The following is an entry in ClinVar:

NM_153603.4(COG7):c.1472A>T (p.Asn491Ile)

Gene: COG7 (component of oligomeric golgi complex 7; minus strand). Cytogenetic location: 16p12.2.
Variant type: single nucleotide variant.
Coding change: c.1472A>T on transcript NM_153603.4 (MANE Select); coding-DNA position 1472, A replaced by T.
Protein change: p.Asn491Ile; replaces asparagine 491 with isoleucine.
Molecular consequence: missense variant.
Genome position (GRCh38, 1-based): chr16:23,410,298, T>A on the plus strand (A>T on the coding strand, the complement: COG7 is on the minus strand). VCF-style: chr16-23410298-T-A. GRCh37 (hg19) VCF-style: chr16-23421619-T-A.
Other names: short protein forms N491I.
Identifiers: ClinVar variation 1717425 (VCV001717425.3), dbSNP rs1347819819, ClinGen allele CA395118997.

ClinVar aggregate classification (germline): Uncertain significance (1 of 4 stars; one submission).

Conditions:
COG7 congenital disorder of glycosylation (CDG2E). Also called: CONGENITAL DISORDER OF GLYCOSYLATION, TYPE IIe; CDG IIe. Identifiers: Orphanet 79333, MedGen C2931010, MONDO:0012118, OMIM 608779.

Submission:

Labcorp Genetics (formerly Invitae), Labcorp
Classification: Uncertain significance for COG7 congenital disorder of glycosylation. Last evaluated: 2022-08-21. Review status: criteria provided, single submitter. Criteria: Invitae Variant Classification Sherloc (09022015). Collection method: clinical testing. Allele origin: germline.
Comment: This sequence change replaces asparagine, which is neutral and polar, with isoleucine, which is neutral and non-polar, at codon 491 of the COG7 protein (p.Asn491Ile). This variant is not present in population databases (gnomAD no frequency). This variant has not been reported in the literature in individuals affected with COG7-related conditions. Algorithms developed to predict the effect of missense changes on protein structure and function are either unavailable or do not agree on the potential impact of this missense change (SIFT: "Deleterious"; PolyPhen-2: "Possibly Damaging"; Align-GVGD: "Class C0"). In summary, the available evidence is currently insufficient to determine the role of this variant in disease. Therefore, it has been classified as a Variant of Uncertain Significance.